The following is an entry in ClinVar:

NM_000686.5(AGTR2):c.871G>A (p.Glu291Lys)

Gene: AGTR2 (angiotensin II receptor type 2; plus strand). Cytogenetic location: Xq23.
Variant type: single nucleotide variant.
Coding change: c.871G>A on transcript NM_000686.5 (MANE Select); coding-DNA position 871, G replaced by A.
Protein change: p.Glu291Lys; replaces glutamic acid 291 with lysine.
Molecular consequence: missense variant.
Genome position (GRCh38, 1-based): chrX:116,173,151, G>A. VCF-style: chrX-116173151-G-A. GRCh37 (hg19) VCF-style: chrX-115304404-G-A.
Other names: short protein forms E291K.
Identifiers: ClinVar variation 451412 (VCV000451412.2), dbSNP rs1163188247, ClinGen allele CA414339311.

ClinVar aggregate classification (germline): Uncertain significance (1 of 4 stars; one submission).

Allele frequency attached by ClinVar (database versions not stated): gnomAD exomes 0.00001.
gnomAD v4.1: 3 of 1,207,504 alleles (0.00025%); highest among the groups gnomAD compares: Admixed American, 0.0022%; no homozygotes.

Submission:

GeneDx
Classification: Uncertain significance. Last evaluated: 2017-08-18. Review status: criteria provided, single submitter. Criteria: GeneDx Variant Classification (06012015). Collection method: clinical testing. Allele origin: germline. Affected: yes.
Comment: The E291K variant in the AGTR2 gene has not been reported previously as a pathogenic variant, nor as a benign variant, to our knowledge. The E291K variant is not observed in large population cohorts (Lek et al., 2016; 1000 Genomes Consortium et al., 2015; Exome Variant Server). The E291K variant is a non-conservative amino acid substitution, which is likely to impact secondary protein structure as these residues differ in polarity, charge, size and/or other properties. This substitution occurs at a position that is not conserved. In silico analysis is inconsistent in its predictions as to whether or not the variant is damaging to the protein structure/function. We interpret E291K as a variant of uncertain significance